The following is an entry in ClinVar:

ClinVar aggregate classification (germline): Conflicting classifications of pathogenicity. Review status: criteria provided, conflicting classifications (1 of 4 stars). 5 submissions from 5 submitters: Uncertain significance (3); Benign (2). Last evaluated 2026-04-01.

Conditions:
Inborn genetic diseases. Identifiers: MedGen C0950123, MeSH D030342.
Collagen 6-related myopathy. Identifiers: MedGen CN117976, MONDO:0100225.
Bethlem myopathy 1A. Also called: Bethlem myopathy 1; Bethlem Muscular Dystrophy; MYOPATHY, BENIGN CONGENITAL, WITH CONTRACTURES. Identifiers: Orphanet 610, MedGen CN029274, MONDO:0024530, OMIM 158810.

Allele frequency attached by ClinVar (database versions not stated): gnomAD exomes 0.00001 and 0.00008; ExAC 0.00007; gnomAD 0.00008 and 0.00009; TOPMed 0.00012; ESP Exome Variant Server 0.00023; 1000 Genomes Project 30x 0.00031; 1000 Genomes Project 0.00040.

Submissions (5):

CeGaT Center for Human Genetics Tuebingen
Classification: Uncertain significance. Last evaluated: 2026-04-01. Review status: criteria provided, single submitter. Criteria: CeGaT Center For Human Genetics Tuebingen Variant Classification Criteria Version 2. Collection method: clinical testing. Allele origin: germline. Affected: yes. Observed: 1 variant allele.

Ambry Genetics
Classification: Uncertain significance for Inborn genetic diseases. Last evaluated: 2025-08-28. Review status: criteria provided, single submitter. Criteria: Ambry Variant Classification Scheme 2023. Collection method: clinical testing. Allele origin: germline.

Labcorp Genetics (formerly Invitae), Labcorp
Classification: Benign for Bethlem myopathy 1A. Last evaluated: 2024-01-15. Review status: criteria provided, single submitter. Criteria: Invitae Variant Classification Sherloc (09022015). Collection method: clinical testing. Allele origin: germline.

Revvity Omics, Revvity
Classification: Uncertain significance. Last evaluated: 2023-03-06. Review status: criteria provided, single submitter. Criteria: ACMG Guidelines, 2015. Collection method: clinical testing. Allele origin: germline.

Illumina Laboratory Services, Illumina
Classification: Benign for Collagen VI-related myopathy. Last evaluated: 2018-01-13. Review status: criteria provided, single submitter. Criteria: ICSL Variant Classification Criteria 13 December 2019. Collection method: clinical testing. Allele origin: germline.
Comment: This variant was observed in the ICSL laboratory as part of a predisposition screen in an ostensibly healthy population. It had not been previously curated by ICSL or reported in the Human Gene Mutation Database (HGMD: prior to June 1st, 2018), and was therefore a candidate for classification through an automated scoring system. Utilizing variant allele frequency, disease prevalence and penetrance estimates, and inheritance mode, an automated score was calculated to assess if this variant is too frequent to cause the disease. Based on the score and internal cut-off values, a variant classified as benign is not then subjected to further curation. The score for this variant resulted in a classification of benign for this disease.

NM_004369.4(COL6A3):c.1063G>A (p.Ala355Thr)

Gene: COL6A3 (collagen type VI alpha 3 chain; minus strand). Cytogenetic location: 2q37.3.
Variant type: single nucleotide variant.
Coding change: c.1063G>A on transcript NM_004369.4 (MANE Select); coding-DNA position 1063, G replaced by A.
Protein change: p.Ala355Thr; replaces alanine 355 with threonine.
Molecular consequence: missense variant. On other transcripts: intron variant (2).
Genome position (GRCh38, 1-based): chr2:237,387,831, C>T on the plus strand (G>A on the coding strand, the complement: COL6A3 is on the minus strand). VCF-style: chr2-237387831-C-T. GRCh37 (hg19) VCF-style: chr2-238296474-C-T.
Other names: c.445G>A, p.Ala149Thr (NM_057165.5, NM_057167.4); c.92-6332G>A (NM_057166.5, NM_057164.5); short protein forms A355T, A149T.
Identifiers: ClinVar variation 335143 (VCV000335143.19), dbSNP rs375022162, ClinGen allele CA2189718.